The following is an entry in ClinVar:

NM_000383.4(AIRE):c.1401-5T>G

Gene: AIRE (autoimmune regulator; plus strand). Cytogenetic location: 21q22.3.
Variant type: single nucleotide variant.
Coding change: c.1401-5T>G on transcript NM_000383.4 (MANE Select); 5 bases into the intron before coding-DNA position 1401, T replaced by G.
Molecular consequence: intron variant.
Genome position (GRCh38, 1-based): chr21:44,294,396, T>G. VCF-style: chr21-44294396-T-G. GRCh37 (hg19) VCF-style: chr21-45714279-T-G.
Identifiers: ClinVar variation 2813667 (VCV002813667.3), dbSNP rs1206047355, ClinGen allele CA2654794950.

ClinVar aggregate classification (germline): Uncertain significance (1 of 4 stars; one submission).

Conditions:
Polyglandular autoimmune syndrome, type 1 (APS1). Also called: AUTOIMMUNE POLYENDOCRINE SYNDROME, TYPE I, WITH OR WITHOUT REVERSIBLE METAPHYSEAL DYSPLASIA; APS I; Autoimmune polyendocrine syndrome type 1; Autoimmune polyendocrinopathy syndrome, type I; Whitaker syndrome; HYPOADRENOCORTICISM WITH HYPOPARATHYROIDISM AND SUPERFICIAL MONILIASIS. Identifiers: Orphanet 3453, MedGen C0085859, MONDO:0009411, OMIM 240300.

Submission:

Labcorp Genetics (formerly Invitae), Labcorp
Classification: Uncertain significance for Polyglandular autoimmune syndrome, type 1. Last evaluated: 2022-11-11. Review status: criteria provided, single submitter. Criteria: Invitae Variant Classification Sherloc (09022015). Collection method: clinical testing. Allele origin: germline.
Comment: This sequence change falls in intron 11 of the AIRE gene. It does not directly change the encoded amino acid sequence of the AIRE protein. This variant is not present in population databases (gnomAD no frequency). This variant has not been reported in the literature in individuals affected with AIRE-related conditions. Algorithms developed to predict the effect of sequence changes on RNA splicing suggest that this variant may disrupt the consensus splice site. In summary, the available evidence is currently insufficient to determine the role of this variant in disease. Therefore, it has been classified as a Variant of Uncertain Significance.